The following is an entry in ClinVar:

ClinVar aggregate classification (germline): Uncertain significance (1 of 4 stars; one submission).

Conditions:
Hereditary cancer-predisposing syndrome. Also called: Neoplastic Syndromes, Hereditary; Tumor predisposition; Hereditary Cancer Syndrome; Hereditary neoplastic syndrome. Identifiers: Orphanet 140162, MedGen C0027672, MeSH D009386, MONDO:0015356.

Submission:

Ambry Genetics
Classification: Uncertain significance for Hereditary cancer-predisposing syndrome. Last evaluated: 2024-07-29. Review status: criteria provided, single submitter. Criteria: Ambry Variant Classification Scheme 2023. Collection method: clinical testing. Allele origin: germline.
Comment: The p.T2495S variant (also known as c.7483A>T), located in coding exon 15 of the APC gene, results from an A to T substitution at nucleotide position 7483. The threonine at codon 2495 is replaced by serine, an amino acid with similar properties. This amino acid position is conserved. In addition, in silico predictors for this gene do not accurately predict pathogenicity. Based on the available evidence, the clinical significance of this variant remains unclear.

NM_000038.6(APC):c.7483A>T (p.Thr2495Ser)

Gene: APC (APC regulator of Wnt signaling pathway; plus strand). Cytogenetic location: 5q22.2.
Variant type: single nucleotide variant.
Coding change: c.7483A>T on transcript NM_000038.6 (MANE Select); coding-DNA position 7483, A replaced by T.
Protein change: p.Thr2495Ser; replaces threonine 2495 with serine.
Molecular consequence: missense variant. On other transcripts: non-coding transcript variant (2).
Genome position (GRCh38, 1-based): chr5:112,843,077, A>T. VCF-style: chr5-112843077-A-T. GRCh37 (hg19) VCF-style: chr5-112178774-A-T.
Other names: c.7483A>T, p.Thr2495Ser (NM_001127510.3, NM_001354895.2, NM_001407450.1); c.7429A>T, p.Thr2477Ser (NM_001127511.3); c.7537A>T, p.Thr2513Ser (NM_001354896.2, NM_001407447.1, NM_001407448.1 and 1 more transcripts); c.7513A>T, p.Thr2505Ser (NM_001354897.2); c.7408A>T, p.Thr2470Ser (NM_001354898.2); c.7399A>T, p.Thr2467Ser (NM_001354899.2); c.7360A>T, p.Thr2454Ser (NM_001354900.2); c.7306A>T, p.Thr2436Ser (NM_001354901.2, NM_001407453.1); and 11 more; short protein forms T2366S, T2467S, T2470S, T2495S, T2523S, T2404S, T2477S, T2488S.
Identifiers: ClinVar variation 3409908 (VCV003409908.1).